The following is an entry in ClinVar:

NM_177986.5(DSG4):c.1539C>T (p.Ile513=)

Genes: DSG1-AS1 (DSG1 antisense RNA 1; minus strand), DSG4 (desmoglein 4; plus strand). Cytogenetic location: 18q12.1.
Variant type: single nucleotide variant.
Coding change: c.1539C>T on transcript NM_177986.5 (MANE Select); coding-DNA position 1539, C replaced by T.
Protein change: p.Ile513=; no amino-acid change (isoleucine 513 retained).
Molecular consequence: synonymous variant.
Genome position (GRCh38, 1-based): chr18:31,403,537, C>T. VCF-style: chr18-31403537-C-T. GRCh37 (hg19) VCF-style: chr18-28983500-C-T.
Other names: c.1539C>T, p.Ile513= (NM_001134453.3).
Identifiers: ClinVar variation 710517 (VCV000710517.13), dbSNP rs9945567, ClinGen allele CA8927035.
Genomic context (GRCh38, chr18:31,403,537, plus strand): 5'-TTGTCCAAACATTTTTCCTGAAAGAAGAACCATCTGCATTGACTCTCCATCAGTCCTTAT[C>T]TCTGTTAATGAACATTCTTATGGGTCTCCGTTTACTTTCTGTGTTGTTGATGAGCCACCA-3'
Protein context (NP_817123.1, residues 503-523): TICIDSPSVL[Ile513=]SVNEHSYGSP

ClinVar aggregate classification (germline): Benign/Likely benign. Review status: criteria provided, multiple submitters, no conflicts (2 of 4 stars). 3 submissions from 3 submitters: Benign (1); Likely benign (2). Last evaluated 2026-01-15.

Conditions:
Hypotrichosis 6 (HYPT6). Also called: MONILETHRIX-LIKE HYPOTRICHOSIS; HYPOTRICHOSIS, LOCALIZED, AUTOSOMAL RECESSIVE 1. Identifiers: Orphanet 55654, MedGen C1842839, MONDO:0011932, OMIM 607903.

Allele frequency attached by ClinVar (database versions not stated): gnomAD exomes 0.00115 and 0.00297; ExAC 0.00381; gnomAD 0.01198 and 0.01287; 1000 Genomes Project 0.01258; 1000 Genomes Project 30x 0.01312; TOPMed 0.01384; ESP Exome Variant Server 0.01445.
gnomAD v4.1: 3,575 of 1,614,042 alleles (0.22%); highest among the groups gnomAD compares: African/African-American, 4.2%; 81 homozygotes.

Submissions (3):

Labcorp Genetics (formerly Invitae), Labcorp
Classification: Benign. Last evaluated: 2026-01-15. Review status: criteria provided, single submitter. Criteria: Invitae Variant Classification Sherloc (09022015). Collection method: clinical testing. Allele origin: germline.

Illumina Laboratory Services, Illumina
Classification: Likely benign for Hypotrichosis 6. Last evaluated: 2018-01-13. Review status: criteria provided, single submitter. Criteria: ICSL Variant Classification Criteria 13 December 2019. Collection method: clinical testing. Allele origin: germline.
Comment: This variant was observed in the ICSL laboratory as part of a predisposition screen in an ostensibly healthy population. It had not been previously curated by ICSL or reported in the Human Gene Mutation Database (HGMD: prior to June 1st, 2018), and was therefore a candidate for classification through an automated scoring system. Utilizing variant allele frequency, disease prevalence and penetrance estimates, and inheritance mode, an automated score was calculated to assess if this variant is too frequent to cause the disease. Based on the score and internal cut-off values, a variant classified as likely benign is not then subjected to further curation. The score for this variant resulted in a classification of likely benign for this disease.

Breakthrough Genomics
Classification: Likely benign. Review status: criteria provided, single submitter. Criteria: ACMG Guidelines, 2015. Collection method: not provided. Allele origin: germline. Inheritance: Autosomal recessive inheritance. Affected: yes.